The following is an entry in ClinVar:

NM_001134831.2(AHI1):c.152G>A (p.Ser51Asn)

Gene: AHI1 (Abelson helper integration site 1; minus strand). Cytogenetic location: 6q23.3.
Variant type: single nucleotide variant.
Coding change: c.152G>A on transcript NM_001134831.2 (MANE Select); coding-DNA position 152, G replaced by A.
Protein change: p.Ser51Asn; replaces serine 51 with asparagine.
Molecular consequence: missense variant.
Genome position (GRCh38, 1-based): chr6:135,467,618, C>T on the plus strand (G>A on the coding strand, the complement: AHI1 is on the minus strand). VCF-style: chr6-135467618-C-T. GRCh37 (hg19) VCF-style: chr6-135788756-C-T.
Other names: c.152G>A, p.Ser51Asn (NM_001134830.2, NM_001134832.2, NM_001350503.2 and 2 more transcripts); short protein forms S51N.
Identifiers: ClinVar variation 1381965 (VCV001381965.6), dbSNP rs759236704, ClinGen allele CA365753636.

ClinVar aggregate classification (germline): Uncertain significance (1 of 4 stars; one submission).

Conditions:
Joubert syndrome. Also called: CEREBELLOPARENCHYMAL DISORDER IV; JOUBERT-BOLTSHAUSER SYNDROME; Familial aplasia of the vermis. Identifiers: Orphanet 475, MedGen C5979921, MONDO:0018772.

gnomAD v4.1: 1 of 1,607,116 alleles (0.000062%); highest among the groups gnomAD compares: Non-Finnish European, 0.000085%; no homozygotes.

Submission:

Labcorp Genetics (formerly Invitae), Labcorp
Classification: Uncertain significance for Joubert syndrome. Last evaluated: 2021-12-03. Review status: criteria provided, single submitter. Criteria: Invitae Variant Classification Sherloc (09022015). Collection method: clinical testing. Allele origin: germline.
Comment: In summary, the available evidence is currently insufficient to determine the role of this variant in disease. Therefore, it has been classified as a Variant of Uncertain Significance. Advanced modeling of protein sequence and biophysical properties (such as structural, functional, and spatial information, amino acid conservation, physicochemical variation, residue mobility, and thermodynamic stability) performed at Invitae indicates that this missense variant is not expected to disrupt AHI1 protein function. This variant has not been reported in the literature in individuals affected with AHI1-related conditions. This variant is not present in population databases (gnomAD no frequency). This sequence change replaces serine, which is neutral and polar, with asparagine, which is neutral and polar, at codon 51 of the AHI1 protein (p.Ser51Asn).